The following is an entry in ClinVar:

ClinVar aggregate classification (germline): Uncertain significance (1 of 4 stars; one submission).

Submission:

Labcorp Genetics (formerly Invitae), Labcorp
Classification: Uncertain significance. Last evaluated: 2021-12-02. Review status: criteria provided, single submitter. Criteria: Invitae Variant Classification Sherloc (09022015). Collection method: clinical testing. Allele origin: germline.
Comment: This sequence change replaces lysine, which is basic and polar, with asparagine, which is neutral and polar, at codon 39 of the MOCS2A protein (p.Lys39Asn). This variant is not present in population databases (gnomAD no frequency). This variant has not been reported in the literature in individuals affected with MOCS2A-related conditions. Algorithms developed to predict the effect of missense changes on protein structure and function output the following: SIFT: "Tolerated"; PolyPhen-2: "Benign"; Align-GVGD: "Class C0". The asparagine amino acid residue is found in multiple mammalian species, which suggests that this missense change does not adversely affect protein function. In summary, the available evidence is currently insufficient to determine the role of this variant in disease. Therefore, it has been classified as a Variant of Uncertain Significance.

NM_176806.4(MOCS2):c.117G>T (p.Lys39Asn)

Gene: MOCS2 (molybdenum cofactor synthesis 2; minus strand). Cytogenetic location: 5q11.2.
Variant type: single nucleotide variant.
Coding change: c.117G>T on transcript NM_176806.4 (MANE Plus Clinical); coding-DNA position 117, G replaced by T.
Protein change: p.Lys39Asn; replaces lysine 39 with asparagine.
Molecular consequence: missense variant. On other transcripts: 5 prime UTR variant (1).
Genome position (GRCh38, 1-based): chr5:53,108,545, C>A on the plus strand (G>T on the coding strand, the complement: MOCS2 is on the minus strand). VCF-style: chr5-53108545-C-A. GRCh37 (hg19) VCF-style: chr5-52404375-C-A.
Other names: c.-71G>T (NM_004531.5, NM_183418.1); short protein forms K39N.
Identifiers: ClinVar variation 2168544 (VCV002168544.1), dbSNP rs773035025, ClinGen allele CA359694026.